The following is an entry in ClinVar:

NM_025179.4(PLXNA2):c.1623C>A (p.Asp541Glu)

Gene: PLXNA2 (plexin A2; minus strand). Cytogenetic location: 1q32.2.
Variant type: single nucleotide variant.
Coding change: c.1623C>A on transcript NM_025179.4 (MANE Select); coding-DNA position 1623, C replaced by A.
Protein change: p.Asp541Glu; replaces aspartic acid 541 with glutamic acid.
Molecular consequence: missense variant.
Genome position (GRCh38, 1-based): chr1:208,098,954, G>T on the plus strand (C>A on the coding strand, the complement: PLXNA2 is on the minus strand). VCF-style: chr1-208098954-G-T. GRCh37 (hg19) VCF-style: chr1-208272299-G-T.
Other names: short protein forms D541E.
Identifiers: ClinVar variation 2629287 (VCV002629287.1), dbSNP rs767371793, ClinGen allele CA1373763.

ClinVar aggregate classification (germline): Uncertain significance (1 of 4 stars; one submission).

Conditions:
PLXNA2-related disorder. Also called: PLXNA2-related condition.

gnomAD v4.1: 1 of 1,612,064 alleles (0.000062%); highest among the groups gnomAD compares: Non-Finnish European, 0.000085%; no homozygotes.

Submission:

PreventionGenetics, part of Exact Sciences
Classification: Uncertain significance for PLXNA2-related condition. Last evaluated: 2023-06-24. Review status: criteria provided, single submitter. Criteria: ACMG Guidelines, 2015. Collection method: clinical testing. Allele origin: germline.
Comment: The PLXNA2 c.1623C>A variant is predicted to result in the amino acid substitution p.Asp541Glu. To our knowledge, this variant has not been reported in the literature or in a large population database, indicating this variant is rare. At this time, the clinical significance of this variant is uncertain due to the absence of conclusive functional and genetic evidence.